The following is an entry in ClinVar:

ClinVar aggregate classification (germline): Conflicting classifications of pathogenicity. Review status: criteria provided, conflicting classifications (1 of 4 stars). 3 submissions from 3 submitters: Uncertain significance (2); Likely benign (1). Last evaluated 2024-11-22.

Conditions:
Neutropenia, severe congenital, 1, autosomal dominant. Identifiers: MedGen C1859966, MONDO:0042490, OMIM 202700.
Cyclical neutropenia. Also called: Cyclic hematopoiesis; Cyclic Neutropenia. Identifiers: Orphanet 2686, MedGen C0221023, MONDO:0008090, OMIM 162800, HP:0040289. Disease mechanism: loss of function.
Inborn genetic diseases. Identifiers: MedGen C0950123, MeSH D030342.

Allele frequency attached by ClinVar (database versions not stated): gnomAD exomes 0.00001 and 0.00002; TOPMed 0.00001.
gnomAD v4.1: 8 of 1,609,834 alleles (0.0005%); highest among the groups gnomAD compares: Admixed American, 0.0084%; no homozygotes.

Submissions (3):

Ambry Genetics
Classification: Likely benign for Inborn genetic diseases. Last evaluated: 2024-11-22. Review status: criteria provided, single submitter. Criteria: Ambry Variant Classification Scheme 2023. Collection method: clinical testing. Allele origin: germline.

Labcorp Genetics (formerly Invitae), Labcorp
Classification: Uncertain significance for Neutropenia, severe congenital, 1, autosomal dominant; Cyclical neutropenia. Last evaluated: 2024-06-08. Review status: criteria provided, single submitter. Criteria: Invitae Variant Classification Sherloc (09022015). Collection method: clinical testing. Allele origin: germline.
Comment: This sequence change replaces asparagine, which is neutral and polar, with serine, which is neutral and polar, at codon 116 of the ELANE protein (p.Asn116Ser). This variant is present in population databases (no rsID available, gnomAD 0.02%). This variant has not been reported in the literature in individuals affected with ELANE-related conditions. ClinVar contains an entry for this variant (Variation ID: 644203). Advanced modeling of protein sequence and biophysical properties (such as structural, functional, and spatial information, amino acid conservation, physicochemical variation, residue mobility, and thermodynamic stability) performed at Invitae indicates that this missense variant is not expected to disrupt ELANE protein function with a negative predictive value of 80%. In summary, the available evidence is currently insufficient to determine the role of this variant in disease. Therefore, it has been classified as a Variant of Uncertain Significance.

Mayo Clinic Laboratories, Mayo Clinic
Classification: Uncertain significance. Last evaluated: 2021-02-25. Review status: criteria provided, single submitter. Criteria: ACMG Guidelines, 2015. Collection method: clinical testing. Allele origin: germline. Observed: 1 variant allele.

NM_001972.4(ELANE):c.347A>G (p.Asn116Ser)

Gene: ELANE (elastase, neutrophil expressed; plus strand). Cytogenetic location: 19p13.3.
Variant type: single nucleotide variant.
Coding change: c.347A>G on transcript NM_001972.4 (MANE Select); coding-DNA position 347, A replaced by G.
Protein change: p.Asn116Ser; replaces asparagine 116 with serine.
Molecular consequence: missense variant.
Genome position (GRCh38, 1-based): chr19:853,384, A>G. VCF-style: chr19-853384-A-G. GRCh37 (hg19) VCF-style: chr19-853384-A-G.
Other names: c.347A>G (LRG_57t1); short protein forms N116S.
Identifiers: ClinVar variation 644203 (VCV000644203.17), dbSNP rs1196145112, ClinGen allele CA402916353.
Genomic context (GRCh38, chr19:853,384, plus strand): 5'-GGCAGGTGTTCGCCGTGCAGCGCATCTTCGAAAACGGCTACGACCCCGTAAACTTGCTCA[A>G]CGACATCGTGATTCTCCAGGTGCCGCCGGGCGGGGCGGGGGGCGCAGGGGCGGAGGCCAG-3'
Protein context (NP_001963.1, residues 106-126): ENGYDPVNLL[Asn116Ser]DIVILQLNGS